The following is an entry in ClinVar:

ClinVar aggregate classification (germline): Benign/Likely benign. Review status: criteria provided, multiple submitters, no conflicts (2 of 4 stars). 3 submissions from 3 submitters: Benign (1); Likely benign (2). Last evaluated 2026-01-12.

Allele frequency attached by ClinVar (database versions not stated): gnomAD below 0.00001 and 0.00002; gnomAD exomes 0.00011 and 0.00021; ExAC 0.00016.
gnomAD v4.1: 166 of 1,614,108 alleles (0.01%); highest among the groups gnomAD compares: South Asian, 0.15%; 1 homozygote.

Submissions (3):

Labcorp Genetics (formerly Invitae), Labcorp
Classification: Likely benign. Last evaluated: 2026-01-12. Review status: criteria provided, single submitter. Criteria: Invitae Variant Classification Sherloc (09022015). Collection method: clinical testing. Allele origin: germline.

Laboratory of Genetics, Children's Clinical University Hospital Latvia
Classification: Benign. Last evaluated: 2025-02-16. Review status: criteria provided, single submitter. Criteria: ACMG Guidelines, 2015. Collection method: clinical testing. Allele origin: germline. Affected: yes.

GeneDx
Classification: Likely benign. Last evaluated: 2018-01-29. Review status: criteria provided, single submitter. Criteria: GeneDx Variant Classification (06012015). Collection method: clinical testing. Allele origin: germline. Affected: yes.
Comment: This variant is considered likely benign or benign based on one or more of the following criteria: it is a conservative change, it occurs at a poorly conserved position in the protein, it is predicted to be benign by multiple in silico algorithms, and/or has population frequency not consistent with disease.

NM_001457.4(FLNB):c.5037C>T (p.Ala1679=)

Gene: FLNB (filamin B; plus strand). Cytogenetic location: 3p14.3.
Variant type: single nucleotide variant.
Coding change: c.5037C>T on transcript NM_001457.4 (MANE Select); coding-DNA position 5037, C replaced by T.
Protein change: p.Ala1679=; no amino-acid change (alanine 1679 retained).
Molecular consequence: synonymous variant.
Genome position (GRCh38, 1-based): chr3:58,138,457, C>T. VCF-style: chr3-58138457-C-T. GRCh37 (hg19) VCF-style: chr3-58124184-C-T.
Other names: c.5130C>T, p.Ala1710= (NM_001164317.2); c.5037C>T, p.Ala1679= (NM_001164318.2, NM_001164319.2).
Identifiers: ClinVar variation 515219 (VCV000515219.6), dbSNP rs770779551, ClinGen allele CA2468929.